The following is an entry in ClinVar:

NM_004519.4(KCNQ3):c.*1383C>T

Gene: KCNQ3 (potassium voltage-gated channel subfamily Q member 3; minus strand). Cytogenetic location: 8q24.22.
Variant type: single nucleotide variant.
Coding change: c.*1383C>T on transcript NM_004519.4 (MANE Select); 1383 bases downstream of the stop codon, C replaced by T.
Molecular consequence: 3 prime UTR variant.
Genome position (GRCh38, 1-based): chr8:132,127,879, G>A on the plus strand (C>T on the coding strand, the complement: KCNQ3 is on the minus strand). VCF-style: chr8-132127879-G-A. GRCh37 (hg19) VCF-style: chr8-133140126-G-A.
Other names: c.*1383C>T (NM_001204824.2).
Identifiers: ClinVar variation 361853 (VCV000361853.6), dbSNP rs146987908, ClinGen allele CA10630242.

ClinVar aggregate classification (germline): Benign (1 of 4 stars; one submission).

Conditions:
Seizures, benign familial neonatal, 2. Also called: CONVULSIONS, BENIGN FAMILIAL NEONATAL, 2; KCNQ3-Related Self-Limited Familial Neonatal Epilepsy (SLFNE); Benign Neonatal Epilepsy 2; KCNQ3-Related Benign Familial Neonatal Epilepsy; Seizures, benign neonatal, 2. Identifiers: Orphanet 1949, MedGen C1852581, MONDO:0007366, OMIM 121201.

Allele frequency attached by ClinVar (database versions not stated): gnomAD 0.01034 and 0.01123; 1000 Genomes Project 30x 0.01093; TOPMed 0.01161; 1000 Genomes Project 0.00958.

Submission:

Illumina Laboratory Services, Illumina
Classification: Benign for Seizures, benign familial neonatal, 2. Last evaluated: 2018-01-12. Review status: criteria provided, single submitter. Criteria: ICSL Variant Classification Criteria 13 December 2019. Collection method: clinical testing. Allele origin: germline.
Comment: This variant was observed in the ICSL laboratory as part of a predisposition screen in an ostensibly healthy population. It had not been previously curated by ICSL or reported in the Human Gene Mutation Database (HGMD: prior to June 1st, 2018), and was therefore a candidate for classification through an automated scoring system. Utilizing variant allele frequency, disease prevalence and penetrance estimates, and inheritance mode, an automated score was calculated to assess if this variant is too frequent to cause the disease. Based on the score and internal cut-off values, a variant classified as benign is not then subjected to further curation. The score for this variant resulted in a classification of benign for this disease.